The following is an entry in ClinVar:

NM_001267550.2(TTN):c.18846C>G (p.Cys6282Trp)

Genes: TTN (titin; minus strand), LOC126806430 (BRD4-independent group 4 enhancer GRCh37_chr2:179593794-179594993; plus strand). Cytogenetic location: 2q31.2.
Variant type: single nucleotide variant.
Coding change: c.18846C>G on transcript NM_001267550.2 (MANE Select); coding-DNA position 18846, C replaced by G.
Protein change: p.Cys6282Trp; replaces cysteine 6282 with tryptophan.
Molecular consequence: missense variant. On other transcripts: intron variant (3).
Genome position (GRCh38, 1-based): chr2:178,729,310, G>C on the plus strand (C>G on the coding strand, the complement: TTN is on the minus strand). VCF-style: chr2-178729310-G-C. GRCh37 (hg19) VCF-style: chr2-179594037-G-C.
Other names: c.17895C>G, p.Cys5965Trp (NM_001256850.1); c.15114C>G, p.Cys5038Trp (NM_133378.4); c.13282+8772C>G (NM_003319.4); c.13858+8772C>G (NM_133437.4); c.13657+8772C>G (NM_133432.3); short protein forms C5038W, C5965W, C6282W.
Identifiers: ClinVar variation 3378285 (VCV003378285.1).

ClinVar aggregate classification (germline): Uncertain significance (1 of 4 stars; one submission).

Submission:

GeneDx
Classification: Uncertain significance. Last evaluated: 2024-05-13. Review status: criteria provided, single submitter. Criteria: GeneDx Variant Classification Process June 2021. Collection method: clinical testing. Allele origin: germline. Affected: yes.
Comment: Not observed at significant frequency in large population cohorts (gnomAD); Missense variant in a gene in which most reported pathogenic variants are truncating/loss of function; Has not been previously published as pathogenic or benign to our knowledge